The following is an entry in ClinVar:

ClinVar aggregate classification (germline): Uncertain significance (1 of 4 stars; one submission).

Allele frequency attached by ClinVar (database versions not stated): gnomAD exomes below 0.00001; ExAC 0.00001; gnomAD 0.00003; TOPMed 0.00004; ESP Exome Variant Server 0.00008.

Submission:

Labcorp Genetics (formerly Invitae), Labcorp
Classification: Uncertain significance. Last evaluated: 2022-11-01. Review status: criteria provided, single submitter. Criteria: Invitae Variant Classification Sherloc (09022015). Collection method: clinical testing. Allele origin: germline.
Comment: In summary, the available evidence is currently insufficient to determine the role of this variant in disease. Therefore, it has been classified as a Variant of Uncertain Significance. Algorithms developed to predict the effect of missense changes on protein structure and function (SIFT, PolyPhen-2, Align-GVGD) all suggest that this variant is likely to be tolerated. ClinVar contains an entry for this variant (Variation ID: 1467125). This variant has not been reported in the literature in individuals affected with GUCA1B-related conditions. This variant is present in population databases (rs144626718, gnomAD 0.007%). This sequence change replaces methionine, which is neutral and non-polar, with isoleucine, which is neutral and non-polar, at codon 199 of the GUCA1B protein (p.Met199Ile).

NM_002098.6(GUCA1B):c.597G>A (p.Met199Ile)

Gene: GUCA1B (guanylate cyclase activator 1B; minus strand). Cytogenetic location: 6p21.1.
Variant type: single nucleotide variant.
Coding change: c.597G>A on transcript NM_002098.6 (MANE Select); coding-DNA position 597, G replaced by A.
Protein change: p.Met199Ile; replaces methionine 199 with isoleucine.
Molecular consequence: missense variant.
Genome position (GRCh38, 1-based): chr6:42,184,821, C>T on the plus strand (G>A on the coding strand, the complement: GUCA1B is on the minus strand). VCF-style: chr6-42184821-C-T. GRCh37 (hg19) VCF-style: chr6-42152559-C-T.
Other names: short protein forms M199I.
Identifiers: ClinVar variation 1467125 (VCV001467125.8), dbSNP rs144626718, ClinGen allele CA3805490.